The following is an entry in ClinVar:

NM_001374736.1(DST):c.13828C>G (p.Gln4610Glu)

Gene: DST (dystonin; minus strand). Cytogenetic location: 6p12.1.
Variant type: single nucleotide variant.
Coding change: c.13828C>G on transcript NM_001374736.1 (MANE Select); coding-DNA position 13828, C replaced by G.
Protein change: p.Gln4610Glu; replaces glutamine 4610 with glutamic acid.
Molecular consequence: missense variant.
Genome position (GRCh38, 1-based): chr6:56,569,906, G>C on the plus strand (C>G on the coding strand, the complement: DST is on the minus strand). VCF-style: chr6-56569906-G-C. GRCh37 (hg19) VCF-style: chr6-56434704-G-C.
Other names: c.7471C>G, p.Gln2491Glu (NM_001144769.5); c.7057C>G, p.Gln2353Glu (NM_001144770.2); c.13828C>G, p.Gln4610Glu (NM_001374722.1); c.13195C>G, p.Gln4399Glu (NM_001374729.1); c.6937C>G, p.Gln2313Glu (NM_001374730.1, NM_001386100.1, NM_183380.4); c.13855C>G, p.Gln4619Glu (NM_001374734.1); c.5959C>G, p.Gln1987Glu (NM_015548.5); short protein forms Q2313E, Q4610E, Q1987E, Q4399E, Q2491E, Q2353E, Q4619E.
Identifiers: ClinVar variation 2931689 (VCV002931689.3), dbSNP rs2535700056, ClinGen allele CA364525318.

ClinVar aggregate classification (germline): Uncertain significance (1 of 4 stars; one submission).

Conditions:
Hereditary sensory and autonomic neuropathy type 6. Also called: HSAN VI; Neuropathy, hereditary sensory and autonomic, type VI. Identifiers: Orphanet 314381, MedGen C3539003, MONDO:0013839, OMIM 614653.
Epidermolysis bullosa simplex 3, localized or generalized intermediate, with BP230 deficiency (EBS3). Also called: Epidermolysis bullosa simplex, autosomal recessive 2; Epidermolysis bullosa simplex due to BP230 deficiency. Identifiers: Orphanet 412181, MedGen C3809470, MONDO:0014180, OMIM 615425.

Submission:

Labcorp Genetics (formerly Invitae), Labcorp
Classification: Uncertain significance for Epidermolysis bullosa simplex 3, localized or generalized intermediate, with BP230 deficiency; Hereditary sensory and autonomic neuropathy type 6. Last evaluated: 2023-10-10. Review status: criteria provided, single submitter. Criteria: Invitae Variant Classification Sherloc (09022015). Collection method: clinical testing. Allele origin: germline.
Comment: The DST gene has multiple clinically relevant transcripts. This variant occurs in alternate transcript NM_015548.4, and corresponds to NM_001723.5:c.*45611C>G in the primary transcript. This sequence change replaces glutamine, which is neutral and polar, with glutamic acid, which is acidic and polar, at codon 1987 of the DST protein (p.Gln1987Glu). This variant is not present in population databases (gnomAD no frequency). This variant has not been reported in the literature in individuals affected with DST-related conditions. Experimental studies and prediction algorithms are not available or were not evaluated, and the functional significance of this variant is currently unknown. In summary, the available evidence is currently insufficient to determine the role of this variant in disease. Therefore, it has been classified as a Variant of Uncertain Significance.